The following is an entry in ClinVar:

NM_001384950.1(NLRC5):c.5237+51G>A

Gene: NLRC5 (NLR family CARD domain containing 5; plus strand). Cytogenetic location: 16q13.
Variant type: single nucleotide variant.
Coding change: c.5237+51G>A on transcript NM_001384950.1 (MANE Select); 51 bases into the intron after coding-DNA position 5237, G replaced by A.
Molecular consequence: intron variant.
Genome position (GRCh38, 1-based): chr16:57,079,343, G>A. VCF-style: chr16-57079343-G-A. GRCh37 (hg19) VCF-style: chr16-57113255-G-A.
Other names: c.5153+51G>A (NM_001384954.1); c.5234+51G>A (NM_001384953.1, NM_001384952.1); c.5147+51G>A (NM_001384957.1); c.5150+51G>A (NM_001384956.1, NM_001384951.1, NM_001384955.1 and 1 more transcripts); c.5060+51G>A (NM_001384959.1); c.5237+51G>A (NM_032206.5); c.5063+51G>A (NM_001384958.1); c.4976+51G>A (NM_001384960.1).
Identifiers: ClinVar variation 103205 (VCV000103205.2), dbSNP rs199476017, ClinGen allele CA230255.

ClinVar aggregate classification (germline): not provided (0 of 4 stars; one submission).

Allele frequency attached by ClinVar (database versions not stated): ExAC 0.00013; ESP Exome Variant Server 0.00015; TOPMed 0.00044; gnomAD 0.00050 and 0.00052; 1000 Genomes Project 0.00060; 1000 Genomes Project 30x 0.00062.
gnomAD v4.1: 169 of 1,593,104 alleles (0.011%); highest among the groups gnomAD compares: African/African-American, 0.19%; no homozygotes.

Submission:

Human Evolutionary Genetics, Institut Pasteur
No classification provided. Review status: no classification provided. Collection method: not provided. Allele origin: germline.
ClinVar note: Converted during submission from untested to not provided.